The following is an entry in ClinVar:

NM_002547.3(OPHN1):c.1202-3T>C

Gene: OPHN1 (oligophrenin 1; minus strand). Cytogenetic location: Xq12.
Variant type: single nucleotide variant.
Coding change: c.1202-3T>C on transcript NM_002547.3 (MANE Select); 3 bases into the intron before coding-DNA position 1202, T replaced by C.
Molecular consequence: intron variant.
Genome position (GRCh38, 1-based): chrX:68,192,996, A>G on the plus strand (T>C on the coding strand, the complement: OPHN1 is on the minus strand). VCF-style: chrX-68192996-A-G. GRCh37 (hg19) VCF-style: chrX-67412838-A-G.
Identifiers: ClinVar variation 1904517 (VCV001904517.5), dbSNP rs2077495804, ClinGen allele CA2435332002.
Genomic context (GRCh38, chrX:68,192,996, plus strand): 5'-AGCTTCTGAACCTGAATATTGCTGCCCACAGTGCGGTACAACCCTTCTGTCTTGATCCCT[A>G]GTGGAGGAAAAAATCAGGTTAATTTCACTTGTATAGCTAGAGTTGTCATCTCCCCTTGGT-3'

ClinVar aggregate classification (germline): Uncertain significance (1 of 4 stars; one submission).

Allele frequency attached by ClinVar (database versions not stated): gnomAD exomes below 0.00001; TOPMed below 0.00001.
gnomAD v4.1: 1 of 1,201,339 alleles (0.000083%); highest among the groups gnomAD compares: Admixed American, 0.0022%; no homozygotes.

Submission:

Labcorp Genetics (formerly Invitae), Labcorp
Classification: Uncertain significance. Last evaluated: 2022-05-15. Review status: criteria provided, single submitter. Criteria: Invitae Variant Classification Sherloc (09022015). Collection method: clinical testing. Allele origin: germline.
Comment: This sequence change falls in intron 14 of the OPHN1 gene. It does not directly change the encoded amino acid sequence of the OPHN1 protein. It affects a nucleotide within the consensus splice site. In summary, the available evidence is currently insufficient to determine the role of this variant in disease. Therefore, it has been classified as a Variant of Uncertain Significance. Variants that disrupt the consensus splice site are a relatively common cause of aberrant splicing (PMID: 17576681, 9536098). Algorithms developed to predict the effect of sequence changes on RNA splicing suggest that this variant is not likely to affect RNA splicing. This variant has not been reported in the literature in individuals affected with OPHN1-related conditions. This variant is not present in population databases (gnomAD no frequency).

Literature cited by the submitters: PubMed 17576681; PubMed 9536098.